The following is an entry in ClinVar:

NM_000218.3(KCNQ1):c.1394-12529T>G

Genes: KCNQ1 (potassium voltage-gated channel subfamily Q member 1; plus strand), KCNQ1OT1 (KCNQ1 opposite strand/antisense transcript 1; minus strand). Cytogenetic location: 11p15.5.
Variant type: single nucleotide variant.
Coding change: c.1394-12529T>G on transcript NM_000218.3 (MANE Select); 12529 bases into the intron before coding-DNA position 1394, T replaced by G.
Molecular consequence: intron variant. On other transcripts: non-coding transcript variant (1).
Genome position (GRCh38, 1-based): chr11:2,649,432, T>G. VCF-style: chr11-2649432-T-G. GRCh37 (hg19) VCF-style: chr11-2670662-T-G.
Other names: c.1124-12529T>G (NM_001406837.1); c.1298-12529T>G (NM_001406836.1); c.854-12529T>G (NM_001406838.1); c.1013-12529T>G (NM_181798.2).
Identifiers: ClinVar variation 3250951 (VCV003250951.18), dbSNP rs148150581.

ClinVar aggregate classification (germline): Likely benign (1 of 4 stars; one submission).

Allele frequency attached by ClinVar (database versions not stated): gnomAD exomes 0.00028; gnomAD 0.00196; TOPMed 0.00274; 1000 Genomes Project 30x 0.00359; 1000 Genomes Project 0.00379.
gnomAD v4.1: 374 of 398,582 alleles (0.094%); highest among the groups gnomAD compares: African/African-American, 0.71%; 2 homozygotes.

Submission:

CeGaT Center for Human Genetics Tuebingen
Classification: Likely benign. Last evaluated: 2024-06-01. Review status: criteria provided, single submitter. Criteria: CeGaT Center For Human Genetics Tuebingen Variant Classification Criteria Version 2. Collection method: clinical testing. Allele origin: germline. Affected: yes. Observed: 1 variant allele.
Comment: KCNQ1OT1: BS1